The following is an entry in ClinVar:

NM_001077365.2(POMT1):c.539+19C>T

Gene: POMT1 (protein O-mannosyltransferase 1; plus strand). Cytogenetic location: 9q34.13.
Variant type: single nucleotide variant.
Coding change: c.539+19C>T on transcript NM_001077365.2 (MANE Select); 19 bases into the intron after coding-DNA position 539, C replaced by T.
Molecular consequence: intron variant.
Genome position (GRCh38, 1-based): chr9:131,509,041, C>T. VCF-style: chr9-131509041-C-T. GRCh37 (hg19) VCF-style: chr9-134384428-C-T.
Other names: c.377+19C>T (NM_001353198.2, NM_001353194.2, NM_001374689.1 and 3 more transcripts); c.539+19C>T (NM_001353193.2, NM_001136113.2, NM_007171.4 and 1 more transcripts); c.188+19C>T (NM_001374691.1, NM_001353195.2, NM_001374692.1 and 2 more transcripts); c.449+19C>T (NM_001353196.2); c.83+19C>T (NM_001374695.1, NM_001353200.2).
Identifiers: ClinVar variation 509528 (VCV000509528.9), dbSNP rs376642449, ClinGen allele CA5293301.

ClinVar aggregate classification (germline): Likely benign. Review status: criteria provided, multiple submitters, no conflicts (2 of 4 stars). 2 submissions from 2 submitters: Likely benign (2). Last evaluated 2026-01-21.

Conditions:
Autosomal recessive limb-girdle muscular dystrophy type 2K. Also called: MUSCULAR DYSTROPHY-DYSTROGLYCANOPATHY (LIMB-GIRDLE), TYPE C, 1; MUSCULAR DYSTROPHY, LIMB-GIRDLE, TYPE 2K. Identifiers: Orphanet 86812, MedGen C1836373, MONDO:0012248, OMIM 609308.
Muscular dystrophy-dystroglycanopathy (congenital with impaired intellectual development), type B, 1. Also called: Muscular dystrophy-dystroglycanopathy (congenital with intellectual disability), type B1; MUSCULAR DYSTROPHY, CONGENITAL, POMT1-RELATED. Identifiers: MedGen C5436962, MONDO:0013159, OMIM 613155.
Walker-Warburg congenital muscular dystrophy. Also called: Muscular dystrophy-dystroglycanopathy, type A; Walker-Warburg syndrome. Identifiers: Orphanet 899, MedGen C0265221, MONDO:0000171.

Allele frequency attached by ClinVar (database versions not stated): gnomAD exomes 0.00004 and 0.00005; TOPMed 0.00022; ExAC 0.00004; gnomAD 0.00021 and 0.00023; ESP Exome Variant Server 0.00015; 1000 Genomes Project 30x 0.00016; 1000 Genomes Project 0.00020.

Submissions (2):

Labcorp Genetics (formerly Invitae), Labcorp
Classification: Likely benign for Muscular dystrophy-dystroglycanopathy (congenital with impaired intellectual development), type B, 1; Walker-Warburg congenital muscular dystrophy; Autosomal recessive limb-girdle muscular dystrophy type 2K. Last evaluated: 2026-01-21. Review status: criteria provided, single submitter. Criteria: Invitae Variant Classification Sherloc (09022015). Collection method: clinical testing. Allele origin: germline.

GeneDx
Classification: Likely benign. Last evaluated: 2017-05-11. Review status: criteria provided, single submitter. Criteria: GeneDx Variant Classification (06012015). Collection method: clinical testing. Allele origin: germline. Affected: yes.
Comment: This variant is considered likely benign or benign based on one or more of the following criteria: it is a conservative change, it occurs at a poorly conserved position in the protein, it is predicted to be benign by multiple in silico algorithms, and/or has population frequency not consistent with disease.